The following is an entry in ClinVar:

ClinVar aggregate classification (germline): Likely benign (0 of 4 stars; one submission).

Conditions:
PRRC2A-related disorder. Also called: PRRC2A-related condition.

Allele frequency attached by ClinVar (database versions not stated): gnomAD 0.00023; TOPMed 0.00027; ExAC 0.00046; 1000 Genomes Project 30x 0.00156; 1000 Genomes Project 0.00180.

Submission:

PreventionGenetics, part of Exact Sciences
Classification: Likely benign for PRRC2A-related condition. Last evaluated: 2019-02-19. Review status: no assertion criteria provided. Collection method: clinical testing. Allele origin: germline.
Comment: This variant is classified as likely benign based on ACMG/AMP sequence variant interpretation guidelines (Richards et al. 2015 PMID: 25741868, with internal and published modifications).

NM_004638.4(PRRC2A):c.222C>T (p.Pro74=)

Gene: PRRC2A (proline rich coiled-coil 2A; plus strand). Cytogenetic location: 6p21.33.
Variant type: single nucleotide variant.
Coding change: c.222C>T on transcript NM_004638.4 (MANE Select); coding-DNA position 222, C replaced by T.
Protein change: p.Pro74=; no amino-acid change (proline 74 retained).
Molecular consequence: synonymous variant.
Genome position (GRCh38, 1-based): chr6:31,623,841, C>T. VCF-style: chr6-31623841-C-T. GRCh37 (hg19) VCF-style: chr6-31591618-C-T.
Other names: c.222C>T, p.Pro74= (NM_080686.3).
Identifiers: ClinVar variation 3057811 (VCV003057811.2), dbSNP rs201104501, ClinGen allele CA3714992.